The following is an entry in ClinVar:

ClinVar aggregate classification (germline): Uncertain significance (1 of 4 stars; one submission).

Allele frequency attached by ClinVar (database versions not stated): TOPMed below 0.00001; ExAC 0.00001; gnomAD 0.00001; gnomAD exomes 0.00001.
gnomAD v4.1: 11 of 1,596,506 alleles (0.00069%); highest among the groups gnomAD compares: Non-Finnish European, 0.00094%; no homozygotes.

Submission:

Labcorp Genetics (formerly Invitae), Labcorp
Classification: Uncertain significance. Last evaluated: 2022-06-15. Review status: criteria provided, single submitter. Criteria: Invitae Variant Classification Sherloc (09022015). Collection method: clinical testing. Allele origin: germline.
Comment: This sequence change replaces tyrosine, which is neutral and polar, with asparagine, which is neutral and polar, at codon 34 of the PRDX1 protein (p.Tyr34Asn). This variant is present in population databases (rs756556677, gnomAD 0.003%). This variant has not been reported in the literature in individuals affected with PRDX1-related conditions. Algorithms developed to predict the effect of missense changes on protein structure and function are either unavailable or do not agree on the potential impact of this missense change (SIFT: "Deleterious"; PolyPhen-2: "Possibly Damaging"; Align-GVGD: "Class C15"). In summary, the available evidence is currently insufficient to determine the role of this variant in disease. Therefore, it has been classified as a Variant of Uncertain Significance.

NM_181697.3(PRDX1):c.100T>A (p.Tyr34Asn)

Gene: PRDX1 (peroxiredoxin 1; minus strand). Cytogenetic location: 1p34.1.
Variant type: single nucleotide variant.
Coding change: c.100T>A on transcript NM_181697.3 (MANE Select); coding-DNA position 100, T replaced by A.
Protein change: p.Tyr34Asn; replaces tyrosine 34 with asparagine.
Molecular consequence: missense variant.
Genome position (GRCh38, 1-based): chr1:45,518,944, A>T on the plus strand (T>A on the coding strand, the complement: PRDX1 is on the minus strand). VCF-style: chr1-45518944-A-T. GRCh37 (hg19) VCF-style: chr1-45984616-A-T.
Other names: c.100T>A, p.Tyr34Asn (NM_001202431.2, NM_002574.4, NM_181696.3); short protein forms Y34N.
Identifiers: ClinVar variation 2421873 (VCV002421873.3), dbSNP rs756556677, ClinGen allele CA828086.